The following is an entry in ClinVar:

NM_080669.6(SLC46A1):c.18C>T (p.Ser6=)

Genes: SLC46A1 (solute carrier family 46 member 1; minus strand), LOC130060550 (ATAC-STARR-seq lymphoblastoid silent region 8340; plus strand). Cytogenetic location: 17q11.2.
Variant type: single nucleotide variant.
Coding change: c.18C>T on transcript NM_080669.6 (MANE Select); coding-DNA position 18, C replaced by T.
Protein change: p.Ser6=; no amino-acid change (serine 6 retained).
Molecular consequence: synonymous variant.
Genome position (GRCh38, 1-based): chr17:28,406,097, G>A on the plus strand (C>T on the coding strand, the complement: SLC46A1 is on the minus strand). VCF-style: chr17-28406097-G-A. GRCh37 (hg19) VCF-style: chr17-26733115-G-A.
Other names: c.18C>T (NM_080669.5); c.18C>T, p.Ser6= (NM_001242366.3).
Identifiers: ClinVar variation 1614359 (VCV001614359.35), dbSNP rs375478405, ClinGen allele CA8458413.

ClinVar aggregate classification (germline): Likely benign. Review status: criteria provided, multiple submitters, no conflicts (2 of 4 stars). 4 submissions from 4 submitters: Likely benign (3). 1 of the submissions does not count toward it. Last evaluated 2025-08-29.

Conditions:
SLC46A1-related disorder. Also called: SLC46A1-related condition.

Allele frequency attached by ClinVar (database versions not stated): ESP Exome Variant Server 0.00010; ExAC 0.00032.

Submissions (4):

Labcorp Genetics (formerly Invitae), Labcorp
Classification: Likely benign. Last evaluated: 2025-08-29. Review status: criteria provided, single submitter. Criteria: Invitae Variant Classification Sherloc (09022015). Collection method: clinical testing. Allele origin: germline.

Blueprint Genetics
Classification: Likely benign. Last evaluated: 2024-06-27. Review status: criteria provided, single submitter. Criteria: ACMG Guidelines, 2015. Collection method: clinical testing. Allele origin: germline.

CeGaT Center for Human Genetics Tuebingen
Classification: Likely benign. Last evaluated: 2024-05-01. Review status: criteria provided, single submitter. Criteria: CeGaT Center For Human Genetics Tuebingen Variant Classification Criteria Version 2. Collection method: clinical testing. Allele origin: germline. Affected: yes. Observed: 2 variant alleles.
Comment: SLC46A1: BP4, BP7

PreventionGenetics, part of Exact Sciences
Classification: Likely benign for SLC46A1-related condition. Last evaluated: 2019-04-24. Review status: no assertion criteria provided. Collection method: clinical testing. Allele origin: germline. Not counted in ClinVar's aggregate classification.
Comment: This variant is classified as likely benign based on ACMG/AMP sequence variant interpretation guidelines (Richards et al. 2015 PMID: 25741868, with internal and published modifications).